The following is an entry in ClinVar:

ClinVar aggregate classification (germline): Benign (1 of 4 stars; one submission).

Allele frequency attached by ClinVar (database versions not stated): gnomAD 0.03069 and 0.03264; 1000 Genomes Project 0.03375; TOPMed 0.03489; 1000 Genomes Project 30x 0.03513.
gnomAD v4.1: 4,625 of 152,198 alleles (3%); highest among the groups gnomAD compares: African/African-American, 10%; 221 homozygotes.

Submissions (3):

GeneDx
Classification: Benign. Last evaluated: 2018-06-14. Review status: criteria provided, single submitter. Criteria: GeneDx Variant Classification (06012015). Collection method: clinical testing. Allele origin: germline. Affected: yes.
Comment: This variant is considered likely benign or benign based on one or more of the following criteria: it is a conservative change, it occurs at a poorly conserved position in the protein, it is predicted to be benign by multiple in silico algorithms, and/or has population frequency not consistent with disease.

Dr. Peter K. Rogan Lab, Western University
No classification provided (evidence only). Condition: Uterine corpus endometrial carcinoma. Review status: no classification provided. Collection method: in vitro. Allele origin: not applicable. Functional consequence: retained intron. Not counted in ClinVar's aggregate classification.

Dr. Peter K. Rogan Lab, Western University
No classification provided (evidence only). Condition: Cervical cancer. Review status: no classification provided. Collection method: in vitro. Allele origin: not applicable. Functional consequence: retained intron. Not counted in ClinVar's aggregate classification.

NM_015443.4(KANSL1):c.2667-204G>T

Gene: KANSL1 (KAT8 regulatory NSL complex subunit 1). Cytogenetic location: 17q21.31.
Variant type: single nucleotide variant.
Coding change: c.2667-204G>T on transcript NM_015443.4 (MANE Select); 204 bases into the intron before coding-DNA position 2667, G replaced by T.
Molecular consequence: intron variant.
Genome position (GRCh38, 1-based): chr17:46,033,664, C>A on the plus strand (G>T on the coding strand, the complement: KANSL1 is on the minus strand). VCF-style: chr17-46033664-C-A. GRCh37 (hg19) VCF-style: chr17-44111030-C-A.
Other names: NC_000017.10:g.44111030C>A; c.2664-204G>T (NM_001193465.2); c.2667-204G>T (NM_001379198.1, NM_001193466.2).
Identifiers: ClinVar variation 682030 (VCV000682030.2), dbSNP rs73317042, ClinGen allele CA291127559.